The following is an entry in ClinVar:

NM_001374353.1(GLI2):c.2678G>T (p.Arg893Leu)

Gene: GLI2 (GLI family zinc finger 2; plus strand). Cytogenetic location: 2q14.2.
Variant type: single nucleotide variant.
Coding change: c.2678G>T on transcript NM_001374353.1 (MANE Select); coding-DNA position 2678, G replaced by T.
Protein change: p.Arg893Leu; replaces arginine 893 with leucine.
Molecular consequence: missense variant.
Genome position (GRCh38, 1-based): chr2:120,988,643, G>T. VCF-style: chr2-120988643-G-T. GRCh37 (hg19) VCF-style: chr2-121746219-G-T.
Other names: c.2729G>T, p.Arg910Leu (NM_001371271.1, NM_005270.5); c.2303G>T, p.Arg768Leu (NM_001374354.1); short protein forms R768L, R893L, R910L.
Identifiers: ClinVar variation 2582082 (VCV002582082.2), dbSNP rs752338987, ClinGen allele CA348168850.

ClinVar aggregate classification (germline): Uncertain significance (1 of 4 stars; one submission).

Submission:

GeneDx
Classification: Uncertain significance. Last evaluated: 2024-10-23. Review status: criteria provided, single submitter. Criteria: GeneDx Variant Classification Process June 2021. Collection method: clinical testing. Allele origin: germline. Affected: yes.
Comment: Not observed at significant frequency in large population cohorts (gnomAD); In silico analysis supports that this missense variant has a deleterious effect on protein structure/function; Has not been previously published as pathogenic or benign to our knowledge